The following is an entry in ClinVar:

NM_014855.3(AP5Z1):c.1528C>T (p.Arg510Trp)

Gene: AP5Z1 (adaptor related protein complex 5 subunit zeta 1; plus strand). Cytogenetic location: 7p22.1.
Variant type: single nucleotide variant.
Coding change: c.1528C>T on transcript NM_014855.3 (MANE Select); coding-DNA position 1528, C replaced by T.
Protein change: p.Arg510Trp; replaces arginine 510 with tryptophan.
Molecular consequence: missense variant. On other transcripts: non-coding transcript variant (1).
Genome position (GRCh38, 1-based): chr7:4,788,227, C>T. VCF-style: chr7-4788227-C-T. GRCh37 (hg19) VCF-style: chr7-4827858-C-T.
Other names: c.1528C>T, p.Arg510Trp (LRG_1247t1); c.1060C>T, p.Arg354Trp (NM_001364858.1); short protein forms R510W, R354W.
Identifiers: ClinVar variation 412230 (VCV000412230.24), dbSNP rs374146548, ClinGen allele CA4137854.

ClinVar aggregate classification (germline): Conflicting classifications of pathogenicity. Review status: criteria provided, conflicting classifications (1 of 4 stars). 7 submissions from 7 submitters: Uncertain significance (6); Likely benign (1). Last evaluated 2025-07-29.

Conditions:
Hereditary spastic paraplegia 48. Also called: Spastic paraplegia 48; SPASTIC PARAPLEGIA 48, AUTOSOMAL RECESSIVE. Identifiers: Orphanet 306511, MedGen C3150901, MONDO:0013342, OMIM 613647.
Hereditary spastic paraplegia. Also called: Familial spastic paraparesis. Identifiers: Orphanet 685, MedGen C0037773, MONDO:0019064. Disease mechanism: loss of function.

Allele frequency attached by ClinVar (database versions not stated): ESP Exome Variant Server 0.00008; ExAC 0.00059; gnomAD 0.00064 and 0.00072; TOPMed 0.00066.
gnomAD v4.1: 277 of 1,573,770 alleles (0.018%); highest among the groups gnomAD compares: African/African-American, 0.16%; 1 homozygote.

Submissions (7):

GeneDx
Classification: Uncertain significance. Last evaluated: 2025-07-29. Review status: criteria provided, single submitter. Criteria: GeneDx Variant Classification Process June 2021. Collection method: clinical testing. Allele origin: germline. Affected: yes.
Comment: Identified in a patient with non-syndromic deafness; this individual harbored a variant in a different gene that was thought to explain their phenotype (PMID: 24926664); In silico analysis supports that this missense variant has a deleterious effect on protein structure/function; This variant is associated with the following publications: (PMID: 24926664)

Mayo Clinic Laboratories, Mayo Clinic
Classification: Likely benign. Last evaluated: 2025-07-29. Review status: criteria provided, single submitter. Criteria: ACMG Guidelines, 2015. Collection method: clinical testing. Allele origin: germline. Observed: 2 variant alleles.
Comment: BS1, BP4

Athena Diagnostics
Classification: Uncertain significance. Last evaluated: 2024-10-31. Review status: criteria provided, single submitter. Criteria: Athena Diagnostics Criteria. Collection method: clinical testing. Allele origin: unknown.

Labcorp Genetics (formerly Invitae), Labcorp
Classification: Uncertain significance for Hereditary spastic paraplegia 48. Last evaluated: 2022-07-30. Review status: criteria provided, single submitter. Criteria: Invitae Variant Classification Sherloc (09022015). Collection method: clinical testing. Allele origin: germline.
Comment: This sequence change replaces arginine, which is basic and polar, with tryptophan, which is neutral and slightly polar, at codon 510 of the AP5Z1 protein (p.Arg510Trp). This variant is present in population databases (rs374146548, gnomAD 0.2%). This missense change has been observed in individual(s) with non-syndromic deafness (PMID: 24926664). ClinVar contains an entry for this variant (Variation ID: 412230). Algorithms developed to predict the effect of missense changes on protein structure and function are either unavailable or do not agree on the potential impact of this missense change (SIFT: "Deleterious"; PolyPhen-2: "Probably Damaging"; Align-GVGD: "Class C0"). In summary, the available evidence is currently insufficient to determine the role of this variant in disease. Therefore, it has been classified as a Variant of Uncertain Significance.

Illumina Laboratory Services, Illumina
Classification: Uncertain significance for Hereditary spastic paraplegia 48. Last evaluated: 2018-02-16. Review status: criteria provided, single submitter. Criteria: ICSL Variant Classification Criteria 13 December 2019. Collection method: clinical testing. Allele origin: germline.

Genome Diagnostics Laboratory, The Hospital for Sick Children
Classification: Uncertain significance for Hereditary spastic paraplegia. Last evaluated: 2016-12-12. Review status: criteria provided, single submitter. Criteria: ACMG Guidelines, 2015. Collection method: clinical testing. Allele origin: germline. Affected: yes.

Breakthrough Genomics
Classification: Uncertain significance. Review status: criteria provided, single submitter. Criteria: ACMG Guidelines, 2015. Collection method: not provided. Allele origin: germline. Inheritance: Autosomal recessive inheritance. Affected: yes.

Literature cited by the submitters: PubMed 24926664 (cited by 3 submitters).